The following is an entry in ClinVar:

NM_001039141.3(TRIOBP):c.6542A>C (p.Gln2181Pro)

Gene: TRIOBP (TRIO and F-actin binding protein; plus strand). Cytogenetic location: 22q13.1.
Variant type: single nucleotide variant.
Coding change: c.6542A>C on transcript NM_001039141.3 (MANE Select); coding-DNA position 6542, A replaced by C.
Protein change: p.Gln2181Pro; replaces glutamine 2181 with proline.
Molecular consequence: missense variant.
Genome position (GRCh38, 1-based): chr22:37,768,143, A>C. VCF-style: chr22-37768143-A-C. GRCh37 (hg19) VCF-style: chr22-38164150-A-C.
Other names: c.1403A>C, p.Gln468Pro (NM_007032.5); short protein forms Q2181P, Q468P.
Identifiers: ClinVar variation 1946052 (VCV001946052.5), dbSNP rs1926593218, ClinGen allele CA411510384.

ClinVar aggregate classification (germline): Uncertain significance (1 of 4 stars; one submission).

Submission:

Labcorp Genetics (formerly Invitae), Labcorp
Classification: Uncertain significance. Last evaluated: 2022-11-01. Review status: criteria provided, single submitter. Criteria: Invitae Variant Classification Sherloc (09022015). Collection method: clinical testing. Allele origin: germline.
Comment: In summary, the available evidence is currently insufficient to determine the role of this variant in disease. Therefore, it has been classified as a Variant of Uncertain Significance. Algorithms developed to predict the effect of missense changes on protein structure and function output the following: SIFT: "Deleterious"; PolyPhen-2: "Probably Damaging"; Align-GVGD: "Class C0". The proline amino acid residue is found in multiple mammalian species, which suggests that this missense change does not adversely affect protein function. This variant has not been reported in the literature in individuals affected with TRIOBP-related conditions. This variant is not present in population databases (gnomAD no frequency). This sequence change replaces glutamine, which is neutral and polar, with proline, which is neutral and non-polar, at codon 2181 of the TRIOBP protein (p.Gln2181Pro).